The following is an entry in ClinVar:

ClinVar aggregate classification (germline): Benign (1 of 4 stars; one submission).

Conditions:
Hereditary diffuse gastric adenocarcinoma (HDGC). Also called: DIFFUSE GASTRIC AND LOBULAR BREAST CANCER SYNDROME. Identifiers: Orphanet 26106, MedGen C1708349, MONDO:0007648, OMIM 137215.

Submission:

Myriad Genetics, Inc.
Classification: Benign for Hereditary diffuse gastric adenocarcinoma. Last evaluated: 2024-10-09. Review status: criteria provided, single submitter. Criteria: Myriad Autosomal Dominant, Autosomal Recessive and X-Linked Classification Criteria (2023). Collection method: clinical testing. Allele origin: unknown.
Comment: This variant is considered benign. This variant is a silent/synonymous amino acid change and it is not expected to impact splicing.

NM_001903.5(CTNNA1):c.162T>C (p.Arg54=)

Gene: CTNNA1 (catenin alpha 1; plus strand). Cytogenetic location: 5q31.2.
Variant type: single nucleotide variant.
Coding change: c.162T>C on transcript NM_001903.5 (MANE Select); coding-DNA position 162, T replaced by C.
Protein change: p.Arg54=; no amino-acid change (arginine 54 retained).
Molecular consequence: synonymous variant. On other transcripts: 5 prime UTR variant (1), intron variant (1).
Genome position (GRCh38, 1-based): chr5:138,783,233, T>C. VCF-style: chr5-138783233-T-C. GRCh37 (hg19) VCF-style: chr5-138118922-T-C.
Other names: c.162T>C, p.Arg54= (NM_001290307.3, NM_001323982.2, NM_001323983.1 and 3 more transcripts); c.-45T>C (NM_001290310.3); c.-9+1204T>C (NM_001290309.3).
Identifiers: ClinVar variation 3773263 (VCV003773263.1).